The following is an entry in ClinVar:

NM_001374259.2(IL12RB2):c.1885C>A (p.Pro629Thr)

Gene: IL12RB2 (interleukin 12 receptor subunit beta 2; plus strand). Cytogenetic location: 1p31.3.
Variant type: single nucleotide variant.
Coding change: c.1885C>A on transcript NM_001374259.2 (MANE Select); coding-DNA position 1885, C replaced by A.
Protein change: p.Pro629Thr; replaces proline 629 with threonine.
Molecular consequence: missense variant. On other transcripts: non-coding transcript variant (1), intron variant (1).
Genome position (GRCh38, 1-based): chr1:67,386,608, C>A. VCF-style: chr1-67386608-C-A. GRCh37 (hg19) VCF-style: chr1-67852291-C-A.
Other names: c.1885C>A, p.Pro629Thr (NM_001258214.1, NM_001319233.1, NM_001559.3); c.1627C>A, p.Pro543Thr (NM_001258215.1); c.1855+6485C>A (NM_001258216.1); short protein forms P543T, P629T.
Identifiers: ClinVar variation 4038120 (VCV004038120.2).

ClinVar aggregate classification (germline): Uncertain significance. Review status: criteria provided, multiple submitters, no conflicts (2 of 4 stars). 2 submissions from 2 submitters: Uncertain significance (2). Last evaluated 2025-04-14.

gnomAD v4.1: 4 of 1,613,492 alleles (0.00025%); highest among the groups gnomAD compares: African/African-American, 0.0053%; no homozygotes.

Submissions (2):

Ambry Genetics
Classification: Uncertain significance. Last evaluated: 2025-04-14. Review status: criteria provided, single submitter. Criteria: Ambry Variant Classification Scheme 2023. Collection method: clinical testing. Allele origin: germline.

Labcorp Genetics (formerly Invitae), Labcorp
Classification: Uncertain significance. Last evaluated: 2025-03-18. Review status: criteria provided, single submitter. Criteria: Invitae Variant Classification Sherloc (09022015). Collection method: clinical testing. Allele origin: germline.
Comment: This sequence change replaces proline, which is neutral and non-polar, with threonine, which is neutral and polar, at codon 629 of the IL12RB2 protein (p.Pro629Thr). This variant is not present in population databases (gnomAD no frequency). This variant has not been reported in the literature in individuals affected with IL12RB2-related conditions. An algorithm developed to predict the effect of missense changes on protein structure and function (PolyPhen-2) suggests that this variant is likely to be tolerated. In summary, the available evidence is currently insufficient to determine the role of this variant in disease. Therefore, it has been classified as a Variant of Uncertain Significance.